The following is an entry in ClinVar:

ClinVar aggregate classification (germline): Uncertain significance (1 of 4 stars; one submission).

gnomAD v4.1: 1 of 1,608,712 alleles (0.000062%); highest among the groups gnomAD compares: Admixed American, 0.0017%; no homozygotes.

Submission:

Ambry Genetics
Classification: Uncertain significance. Last evaluated: 2024-07-24. Review status: criteria provided, single submitter. Criteria: Ambry Variant Classification Scheme 2023. Collection method: clinical testing. Allele origin: germline.
Comment: The p.L662R variant (also known as c.1985T>G), located in coding exon 18 of the PRKDC gene, results from a T to G substitution at nucleotide position 1985. The leucine at codon 662 is replaced by arginine, an amino acid with dissimilar properties. This amino acid position is conserved. In addition, the in silico prediction for this alteration is inconclusive. Based on the available evidence, the clinical significance of this variant remains unclear.

NM_006904.7(PRKDC):c.1985T>G (p.Leu662Arg)

Gene: PRKDC (protein kinase, DNA-activated, catalytic subunit; minus strand). Cytogenetic location: 8q11.21.
Variant type: single nucleotide variant.
Coding change: c.1985T>G on transcript NM_006904.7 (MANE Select); coding-DNA position 1985, T replaced by G.
Protein change: p.Leu662Arg; replaces leucine 662 with arginine.
Molecular consequence: missense variant.
Genome position (GRCh38, 1-based): chr8:47,929,920, A>C on the plus strand (T>G on the coding strand, the complement: PRKDC is on the minus strand). VCF-style: chr8-47929920-A-C. GRCh37 (hg19) VCF-style: chr8-48842480-A-C.
Other names: c.1985T>G, p.Leu662Arg (NM_001081640.2); short protein forms L662R.
Identifiers: ClinVar variation 3425278 (VCV003425278.1).